The following is an entry in ClinVar:

NM_177438.3(DICER1):c.4077T>C (p.Leu1359=)

Gene: DICER1 (dicer 1, ribonuclease III; minus strand). Cytogenetic location: 14q32.13.
Variant type: single nucleotide variant.
Coding change: c.4077T>C on transcript NM_177438.3 (MANE Select); coding-DNA position 4077, T replaced by C.
Protein change: p.Leu1359=; no amino-acid change (leucine 1359 retained).
Molecular consequence: synonymous variant. On other transcripts: non-coding transcript variant (6).
Genome position (GRCh38, 1-based): chr14:95,099,909, A>G on the plus strand (T>C on the coding strand, the complement: DICER1 is on the minus strand). VCF-style: chr14-95099909-A-G. GRCh37 (hg19) VCF-style: chr14-95566246-A-G.
Other names: c.4077T>C, p.Leu1359= (NM_001271282.3, NM_001291628.2, NM_001395677.1 and 12 more transcripts); c.3795T>C, p.Leu1265= (NM_001395686.1); c.3672T>C, p.Leu1224= (NM_001395687.1, NM_001395688.1, NM_001395689.1 and 2 more transcripts); c.3510T>C, p.Leu1170= (NM_001395691.1); c.2394T>C, p.Leu798= (NM_001395697.1).
Identifiers: ClinVar variation 5042125 (VCV005042125.1).
Genomic context (GRCh38, chr14:95,099,909, plus strand): 5'-ATTCACAGGGGGATCAAATATTGACACCACCATGCGGCTGGGTAGTCCCTTCTTTTTTCC[A>G]AGGCGATACAGATTACAGTTGCTGACCTTTAGCAGAAAATATTAGGATACTTATCCATAA-3'
Protein context (NP_803187.1, residues 1349-1369): KKVSNCNLYR[Leu1359=]GKKKGLPSRM

ClinVar aggregate classification (germline): Benign (1 of 4 stars; one submission).

Conditions:
DICER1-related tumor predisposition. Also called: DICER1 syndrome; DICER1-related pleuropulmonary blastoma cancer predisposition syndrome. Identifiers: Orphanet 284343, MedGen C3839822, MONDO:0100216.

Submission:

Myriad Genetics, Inc.
Classification: Benign for DICER1-related tumor predisposition. Last evaluated: 2026-08-19. Review status: criteria provided, single submitter. Criteria: Myriad Autosomal Dominant, Autosomal Recessive and X-Linked Classification Criteria (2023). Collection method: clinical testing. Allele origin: unknown.
Comment: This variant is considered benign. This variant is a silent/synonymous amino acid change and it is not expected to impact splicing.